The following is an entry in ClinVar:

ClinVar aggregate classification (germline): Uncertain significance (1 of 4 stars; one submission).

Submission:

Ambry Genetics
Classification: Uncertain significance. Last evaluated: 2022-09-19. Review status: criteria provided, single submitter. Criteria: Ambry Variant Classification Scheme 2023. Collection method: clinical testing. Allele origin: germline.
Comment: The p.P1374A variant (also known as c.4120C>G), located in coding exon 16 of the POLQ gene, results from a C to G substitution at nucleotide position 4120. The proline at codon 1374 is replaced by alanine, an amino acid with highly similar properties. This amino acid position is conserved. In addition, this alteration is predicted to be tolerated by in silico analysis. Since supporting evidence is limited at this time, the clinical significance of this alteration remains unclear.

NM_199420.4(POLQ):c.4120C>G (p.Pro1374Ala)

Gene: POLQ (DNA polymerase theta; minus strand). Cytogenetic location: 3q13.33.
Variant type: single nucleotide variant.
Coding change: c.4120C>G on transcript NM_199420.4 (MANE Select); coding-DNA position 4120, C replaced by G.
Protein change: p.Pro1374Ala; replaces proline 1374 with alanine.
Molecular consequence: missense variant.
Genome position (GRCh38, 1-based): chr3:121,488,811, G>C on the plus strand (C>G on the coding strand, the complement: POLQ is on the minus strand). VCF-style: chr3-121488811-G-C. GRCh37 (hg19) VCF-style: chr3-121207658-G-C.
Other names: short protein forms P1374A.
Identifiers: ClinVar variation 1738023 (VCV001738023.2), dbSNP rs896320412, ClinGen allele CA354096086.